The following is an entry in ClinVar:

NM_019066.5(MAGEL2):c.1680G>T (p.Gln560His)

Gene: MAGEL2 (MAGE family member L2; minus strand). Cytogenetic location: 15q11.2.
Variant type: single nucleotide variant.
Coding change: c.1680G>T on transcript NM_019066.5 (MANE Select); coding-DNA position 1680, G replaced by T.
Protein change: p.Gln560His; replaces glutamine 560 with histidine.
Molecular consequence: missense variant.
Genome position (GRCh38, 1-based): chr15:23,646,063, C>A on the plus strand (G>T on the coding strand, the complement: MAGEL2 is on the minus strand). VCF-style: chr15-23646063-C-A. GRCh37 (hg19) VCF-style: chr15-23891210-C-A.
Other names: short protein forms Q560H.
Identifiers: ClinVar variation 3122216 (VCV003122216.4), dbSNP rs1890394839, ClinGen allele CA391333547.

ClinVar aggregate classification (germline): Uncertain significance. Review status: criteria provided, multiple submitters, no conflicts (2 of 4 stars). 3 submissions from 3 submitters: Uncertain significance (3). Last evaluated 2025-07-07.

Conditions:
Inborn genetic diseases. Identifiers: MedGen C0950123, MeSH D030342.
MAGEL2-related disorder. Also called: MAGEL2-related condition.

Allele frequency attached by ClinVar (database versions not stated): gnomAD exomes below 0.00001; gnomAD 0.00001; TOPMed 0.00001.
gnomAD v4.1: 4 of 1,506,722 alleles (0.00027%); highest among the groups gnomAD compares: African/African-American, 0.0014%; no homozygotes.

Submissions (3):

PreventionGenetics, part of Exact Sciences
Classification: Uncertain significance for MAGEL2-related condition. Last evaluated: 2025-07-07. Review status: criteria provided, single submitter. Criteria: ACMG Guidelines, 2015. Collection method: clinical testing. Allele origin: germline.
Comment: The MAGEL2 c.1680G>T variant is predicted to result in the amino acid substitution p.Gln560His. To our knowledge, this variant has not been reported in the literature or in a large population database, indicating this variant is rare. At this time, the clinical significance of this variant is uncertain due to the absence of conclusive functional and genetic evidence.

Labcorp Genetics (formerly Invitae), Labcorp
Classification: Uncertain significance. Last evaluated: 2025-02-26. Review status: criteria provided, single submitter. Criteria: Invitae Variant Classification Sherloc (09022015). Collection method: clinical testing. Allele origin: germline.
Comment: This sequence change replaces glutamine, which is neutral and polar, with histidine, which is basic and polar, at codon 560 of the MAGEL2 protein (p.Gln560His). This variant is not present in population databases (gnomAD no frequency). This variant has not been reported in the literature in individuals affected with MAGEL2-related conditions. ClinVar contains an entry for this variant (Variation ID: 3122216). Invitae Evidence Modeling of protein sequence and biophysical properties (such as structural, functional, and spatial information, amino acid conservation, physicochemical variation, residue mobility, and thermodynamic stability) indicates that this missense variant is not expected to disrupt MAGEL2 protein function with a negative predictive value of 80%. In summary, the available evidence is currently insufficient to determine the role of this variant in disease. Therefore, it has been classified as a Variant of Uncertain Significance.

Ambry Genetics
Classification: Uncertain significance for Inborn genetic diseases. Last evaluated: 2024-03-11. Review status: criteria provided, single submitter. Criteria: Ambry Variant Classification Scheme 2023. Collection method: clinical testing. Allele origin: germline.